The following is an entry in ClinVar:

NM_130810.4(DNAAF4):c.583del (p.Lys194_Ile195insTer)

Genes: DNAAF4 (dynein axonemal assembly factor 4; minus strand), DNAAF4-CCPG1 (DNAAF4-CCPG1 readthrough (NMD candidate); minus strand). Cytogenetic location: 15q21.3.
Variant type: Deletion.
Coding change: c.583del on transcript NM_130810.4 (MANE Select); coding-DNA position 583, one base deleted (A; older notation c.583delA).
Protein change: p.Lys194_Ile195insTer.
Molecular consequence: nonsense. On other transcripts: non-coding transcript variant (1).
Genome position (GRCh38, 1-based): chr15:55,466,984, T deleted on the plus strand (A on the coding strand, the reverse complement: DNAAF4 is on the minus strand); the first of 8 consecutive T bases (chr15:55,466,984-55,466,991); deleting any one gives the same sequence. VCF-style (leftmost placement, unchanged base first): chr15-55466983-AT-A. GRCh37 (hg19) VCF-style: chr15-55759181-AT-A.
Other names: c.583del, p.Lys194_Ile195insTer (NM_001033559.3, NM_001033560.2); c.583del (NM_130810.3).
Identifiers: ClinVar variation 577768 (VCV000577768.20), dbSNP rs753649614, ClinGen allele CA7575014.
Genomic context (GRCh38, chr15:55,466,983, plus strand): 5'-ATTTTACCTTTTGGAGCAAGATTTCTAGATGCCAAATTTCTAGTAAGACTCTTATATTTT[AT>A]TTTTTTTCTTTCTTCTTTAATTTGCTTTTCTTTTTGACATAATTTCTCTTCTCTCTGAAT-3'

ClinVar aggregate classification (germline): Pathogenic. Review status: criteria provided, multiple submitters, no conflicts (2 of 4 stars). 7 submissions from 7 submitters: Pathogenic (6). 1 of the submissions does not count toward it. Last evaluated 2025-12-27.

Conditions:
Dyslexia, susceptibility to, 1. Also called: READING DISABILITY, SPECIFIC, 1; WORD-BLINDNESS, CONGENITAL. Identifiers: MedGen C1851967, MONDO:0007487, OMIM 127700.
Primary ciliary dyskinesia 25 (CILD25). Also called: CILIARY DYSKINESIA, PRIMARY, 25, WITH OR WITHOUT SITUS INVERSUS. Identifiers: Orphanet 244, MedGen C3809641, MONDO:0014203, OMIM 615482.

Submissions (7):

Labcorp Genetics (formerly Invitae), Labcorp
Classification: Pathogenic. Last evaluated: 2025-12-27. Review status: criteria provided, single submitter. Criteria: Invitae Variant Classification Sherloc (09022015). Collection method: clinical testing. Allele origin: germline.
Comment: This sequence change creates a premature translational stop signal (p.Ile195*) in the DNAAF4 gene. It is expected to result in an absent or disrupted protein product. Loss-of-function variants in DNAAF4 are known to be pathogenic (PMID: 23872636). The frequency data for this variant in the population databases is considered unreliable, as metrics indicate poor data quality at this position in the gnomAD database. This premature translational stop signal has been observed in individual(s) with primary ciliary dyskinesia (PMID: 23872636, 25186273). ClinVar contains an entry for this variant (Variation ID: 577768). Algorithms developed to predict the effect of sequence changes on RNA splicing suggest that this variant may disrupt the consensus splice site. For these reasons, this variant has been classified as Pathogenic.

Genomic Medicine Center of Excellence, King Faisal Specialist Hospital and Research Centre
Classification: Pathogenic for Dyslexia, susceptibility to, 1. Last evaluated: 2024-03-26. Review status: criteria provided, single submitter. Criteria: ACMG Guidelines, 2015. Collection method: clinical testing. Allele origin: germline.

Department of Pathology and Laboratory Medicine, Sinai Health System
Classification: Pathogenic for Primary ciliary dyskinesia 25. Last evaluated: 2023-02-20. Review status: criteria provided, single submitter. Criteria: ACMG Guidelines, 2015. Collection method: research. Allele origin: germline.

GeneDx
Classification: Pathogenic. Last evaluated: 2022-03-22. Review status: criteria provided, single submitter. Criteria: GeneDx Variant Classification Process June 2021. Collection method: clinical testing. Allele origin: germline. Affected: yes.
Comment: Nonsense variant predicted to result in protein truncation or nonsense mediated decay in a gene for which loss-of-function is a known mechanism of disease; This variant is associated with the following publications: (PMID: 25186273, 33760720, 30290127, 23872636)

Johns Hopkins Genomics, Johns Hopkins University
Classification: Pathogenic for Primary ciliary dyskinesia 25. Last evaluated: 2021-05-27. Review status: criteria provided, single submitter. Criteria: ACMG Guidelines, 2015. Collection method: clinical testing. Allele origin: germline.
Comment: DNAAF4 c.583delA has been reported in the homozygous state in multiple individuals with primary ciliary dyskinesia. This variant (rs753649614) is rare (<0.1%) in a large population dataset3 (gnomAD: 13/248692 total alleles; 0.005%; 1 homozygote) and has been reported in ClinVar. This nonsense variant results in a premature stop codon in exon 5 likely leading to nonsense-mediated decay and lack of protein production. We consider this variant to be pathogenic.

Juno Genomics, Hangzhou Juno Genomics, Inc
Classification: Pathogenic for Primary ciliary dyskinesia 25. Review status: criteria provided, single submitter. Criteria: ACMG Guidelines, 2015. Collection method: clinical testing. Allele origin: germline.
Comment: Absent from controls (or at extremely low frequency if recessive) in Genome Aggregation Database.;Null variant in a gene where loss of function (LOF) is a known mechanism of disease.;For recessive disorders, detected in trans with a pathogenic variant.;Patient's phenotype or family history is highly specific for a disease with a single genetic etiology.

OMIM
Classification: Pathogenic for CILIARY DYSKINESIA, PRIMARY, 25. Last evaluated: 2013-09-01. Review status: no assertion criteria provided. Collection method: literature only. Allele origin: germline. Not counted in ClinVar's aggregate classification.

Literature cited by the submitters: PubMed 23872636 (cited by 3 submitters); PubMed 25186273 (cited by Labcorp Genetics (formerly Invitae), Labcorp); PubMed 30290127 (cited by Johns Hopkins Genomics, Johns Hopkins University); PubMed 33760720 (cited by Johns Hopkins Genomics, Johns Hopkins University).